The following is an entry in ClinVar:

ClinVar aggregate classification (germline): Likely benign (1 of 4 stars; one submission).

gnomAD v4.1: 762 of 1,613,996 alleles (0.047%); highest among the groups gnomAD compares: African/African-American, 0.91%; 2 homozygotes.

Submission:

CeGaT Center for Human Genetics Tuebingen
Classification: Likely benign. Last evaluated: 2026-03-01. Review status: criteria provided, single submitter. Criteria: CeGaT Center For Human Genetics Tuebingen Variant Classification Criteria Version 2. Collection method: clinical testing. Allele origin: germline. Affected: yes. Observed: 1 variant allele.
Comment: SEPHS1: BP4, BP7

NM_012247.5(SEPHS1):c.348C>T (p.Val116=)

Gene: SEPHS1 (selenophosphate synthetase 1; minus strand). Cytogenetic location: 10p13.
Variant type: single nucleotide variant.
Coding change: c.348C>T on transcript NM_012247.5 (MANE Select); coding-DNA position 348, C replaced by T.
Protein change: p.Val116=; no amino-acid change (valine 116 retained).
Molecular consequence: synonymous variant. On other transcripts: non-coding transcript variant (1).
Genome position (GRCh38, 1-based): chr10:13,336,300, G>A on the plus strand (C>T on the coding strand, the complement: SEPHS1 is on the minus strand). VCF-style: chr10-13336300-G-A. GRCh37 (hg19) VCF-style: chr10-13378300-G-A.
Other names: c.147C>T, p.Val49= (NM_001195602.2); c.348C>T, p.Val116= (NM_001195604.2, NM_001375769.1).
Identifiers: ClinVar variation 4820951 (VCV004820951.4).